The following is an entry in ClinVar:

NM_000051.4(ATM):c.7614T>G (p.His2538Gln)

Genes: ATM (ATM serine/threonine kinase; plus strand), C11orf65 (chromosome 11 open reading frame 65; minus strand). Cytogenetic location: 11q22.3.
Variant type: single nucleotide variant.
Coding change: c.7614T>G on transcript NM_000051.4 (MANE Select); coding-DNA position 7614, T replaced by G.
Protein change: p.His2538Gln; replaces histidine 2538 with glutamine.
Molecular consequence: missense variant. On other transcripts: non-coding transcript variant (1), intron variant (2).
Genome position (GRCh38, 1-based): chr11:108,331,542, T>G. VCF-style: chr11-108331542-T-G. GRCh37 (hg19) VCF-style: chr11-108202269-T-G.
Other names: c.7614T>G, p.His2538Gln (NM_001351834.2); c.641-22471A>C (NM_001330368.2); c.*38+3678A>C (NM_001351110.2); short protein forms H2538Q.
Identifiers: ClinVar variation 859994 (VCV000859994.10), dbSNP rs2086234461, ClinGen allele CA382560842.

ClinVar aggregate classification (germline): Uncertain significance (1 of 4 stars; one submission).

Conditions:
Ataxia-telangiectasia syndrome (AT). Also called: ATAXIA-TELANGIECTASIA, COMPLEMENTATION GROUP A; ATAXIA-TELANGIECTASIA, FRESNO VARIANT; Ataxia-telangiectasia; Ataxia-telangiectasia, complementation group D; AT, COMPLEMENTATION GROUP C; Ataxia-telangiectasia, complementation group E. Identifiers: Orphanet 100, MedGen C0004135, MONDO:0008840, OMIM 208900.

Submission:

Labcorp Genetics (formerly Invitae), Labcorp
Classification: Uncertain significance for Ataxia-telangiectasia syndrome. Last evaluated: 2022-09-07. Review status: criteria provided, single submitter. Criteria: Invitae Variant Classification Sherloc (09022015). Collection method: clinical testing. Allele origin: germline.
Comment: ClinVar contains an entry for this variant (Variation ID: 859994). This variant has not been reported in the literature in individuals affected with ATM-related conditions. This variant is not present in population databases (gnomAD no frequency). This sequence change replaces histidine, which is basic and polar, with glutamine, which is neutral and polar, at codon 2538 of the ATM protein (p.His2538Gln). Advanced modeling of protein sequence and biophysical properties (such as structural, functional, and spatial information, amino acid conservation, physicochemical variation, residue mobility, and thermodynamic stability) performed at Invitae indicates that this missense variant is not expected to disrupt ATM protein function. In summary, the available evidence is currently insufficient to determine the role of this variant in disease. Therefore, it has been classified as a Variant of Uncertain Significance.